The following is an entry in ClinVar:

NM_000057.4(BLM):c.11T>A (p.Val4Asp)

Gene: BLM (BLM RecQ like helicase; plus strand). Cytogenetic location: 15q26.1.
Variant type: single nucleotide variant.
Coding change: c.11T>A on transcript NM_000057.4 (MANE Select); coding-DNA position 11, T replaced by A.
Protein change: p.Val4Asp; replaces valine 4 with aspartic acid.
Molecular consequence: missense variant. On other transcripts: 5 prime UTR variant (1).
Genome position (GRCh38, 1-based): chr15:90,747,403, T>A. VCF-style: chr15-90747403-T-A. GRCh37 (hg19) VCF-style: chr15-91290633-T-A.
Other names: c.11T>A (NM_000057.2); c.11T>A, p.Val4Asp (NM_001287246.2, NM_001287247.2); c.-1281T>A (NM_001287248.2); short protein forms V4D.
Identifiers: ClinVar variation 1462030 (VCV001462030.8), dbSNP rs144706057, ClinGen allele CA7738223.

ClinVar aggregate classification (germline): Uncertain significance. Review status: criteria provided, multiple submitters, no conflicts (2 of 4 stars). 2 submissions from 2 submitters: Uncertain significance (2). Last evaluated 2024-12-30.

Conditions:
Hereditary cancer-predisposing syndrome. Also called: Tumor predisposition; Hereditary neoplastic syndrome; Hereditary Cancer Syndrome; Neoplastic Syndromes, Hereditary. Identifiers: Orphanet 140162, MedGen C0027672, MeSH D009386, MONDO:0015356.
Bloom syndrome (BLM). Also called: Bloom-Torre-Machacek syndrome. Identifiers: Orphanet 125, MedGen C0005859, MONDO:0008876, OMIM 210900.

gnomAD v4.1: 6 of 1,609,242 alleles (0.00037%); highest among the groups gnomAD compares: South Asian, 0.0055%; no homozygotes.

Submissions (2):

Labcorp Genetics (formerly Invitae), Labcorp
Classification: Uncertain significance for Bloom syndrome. Last evaluated: 2024-12-30. Review status: criteria provided, single submitter. Criteria: Invitae Variant Classification Sherloc (09022015). Collection method: clinical testing. Allele origin: germline.
Comment: This sequence change replaces valine, which is neutral and non-polar, with aspartic acid, which is acidic and polar, at codon 4 of the BLM protein (p.Val4Asp). This variant is present in population databases (rs144706057, gnomAD 0.01%). This variant has not been reported in the literature in individuals affected with BLM-related conditions. ClinVar contains an entry for this variant (Variation ID: 1462030). An algorithm developed to predict the effect of missense changes on protein structure and function (PolyPhen-2) suggests that this variant is likely to be disruptive. In summary, the available evidence is currently insufficient to determine the role of this variant in disease. Therefore, it has been classified as a Variant of Uncertain Significance.

Ambry Genetics
Classification: Uncertain significance for Hereditary cancer-predisposing syndrome. Last evaluated: 2023-11-27. Review status: criteria provided, single submitter. Criteria: Ambry Variant Classification Scheme 2023. Collection method: clinical testing. Allele origin: germline.
Comment: The p.V4D variant (also known as c.11T>A), located in coding exon 1 of the BLM gene, results from a T to A substitution at nucleotide position 11. The valine at codon 4 is replaced by aspartic acid, an amino acid with highly dissimilar properties. This amino acid position is not well conserved in available vertebrate species. In addition, this alteration is predicted to be tolerated by in silico analysis. Since supporting evidence is limited at this time, the clinical significance of this alteration remains unclear.